The following is an entry in ClinVar:

ClinVar aggregate classification (germline): Uncertain significance. Review status: criteria provided, single submitter (1 of 4 stars). 2 submissions from 2 submitters: Uncertain significance (1). 1 of the submissions does not count toward it. Last evaluated 2022-02-04.

Conditions:
Usher syndrome type 2A. Also called: RETINAL DISEASE IN USHER SYNDROME TYPE IIA, MODIFIER OF; USHER SYNDROME, TYPE IIA. Identifiers: Orphanet 231178, Orphanet 886, MedGen C1848634, MONDO:0010169, OMIM 276901.

gnomAD v4.1: 1 of 1,614,100 alleles (0.000062%); highest among the groups gnomAD compares: East Asian, 0.0022%; no homozygotes.

Submissions (2):

Labcorp Genetics (formerly Invitae), Labcorp
Classification: Uncertain significance. Last evaluated: 2022-02-04. Review status: criteria provided, single submitter. Criteria: Invitae Variant Classification Sherloc (09022015). Collection method: clinical testing. Allele origin: germline.
Comment: This sequence change replaces valine, which is neutral and non-polar, with glutamic acid, which is acidic and polar, at codon 874 of the USH2A protein (p.Val874Glu). This variant is not present in population databases (gnomAD no frequency). This variant has not been reported in the literature in individuals affected with USH2A-related conditions. ClinVar contains an entry for this variant (Variation ID: 857792). Algorithms developed to predict the effect of missense changes on protein structure and function (SIFT, PolyPhen-2, Align-GVGD) all suggest that this variant is likely to be disruptive. In summary, the available evidence is currently insufficient to determine the role of this variant in disease. Therefore, it has been classified as a Variant of Uncertain Significance.

Natera, Inc.
Classification: Uncertain significance for Usher syndrome type 2A. Last evaluated: 2021-08-11. Review status: no assertion criteria provided. Collection method: clinical testing. Allele origin: germline. Not counted in ClinVar's aggregate classification.

NM_206933.4(USH2A):c.2621T>A (p.Val874Glu)

Genes: USH2A (usherin; minus strand), LOC122152296 (Sharpr-MPRA regulatory region 8762; plus strand). Cytogenetic location: 1q41.
Variant type: single nucleotide variant.
Coding change: c.2621T>A on transcript NM_206933.4 (MANE Select); coding-DNA position 2621, T replaced by A.
Protein change: p.Val874Glu; replaces valine 874 with glutamic acid.
Molecular consequence: missense variant.
Genome position (GRCh38, 1-based): chr1:216,246,773, A>T on the plus strand (T>A on the coding strand, the complement: USH2A is on the minus strand). VCF-style: chr1-216246773-A-T. GRCh37 (hg19) VCF-style: chr1-216420115-A-T.
Other names: c.2621T>A, p.Val874Glu (NM_007123.6); short protein forms V874E.
Identifiers: ClinVar variation 857792 (VCV000857792.8), dbSNP rs2036055708, ClinGen allele CA344864402.